The following is an entry in ClinVar:

NM_003238.6(TGFB2):c.52G>T (p.Ala18Ser)

Gene: TGFB2 (transforming growth factor beta 2; plus strand). Cytogenetic location: 1q41.
Variant type: single nucleotide variant.
Coding change: c.52G>T on transcript NM_003238.6 (MANE Select); coding-DNA position 52, G replaced by T.
Protein change: p.Ala18Ser; replaces alanine 18 with serine.
Molecular consequence: missense variant. On other transcripts: non-coding transcript variant (2).
Genome position (GRCh38, 1-based): chr1:218,346,753, G>T. VCF-style: chr1-218346753-G-T. GRCh37 (hg19) VCF-style: chr1-218520095-G-T.
Other names: c.52G>T, p.Ala18Ser (NM_001135599.4); short protein forms A18S.
Identifiers: ClinVar variation 1415531 (VCV001415531.6), dbSNP rs886045975, ClinGen allele CA344725174.
Genomic context (GRCh38, chr1:218,346,753, plus strand): 5'-TTTTAAAAAATGCACTACTGTGTGCTGAGCGCTTTTCTGATCCTGCATCTGGTCACGGTC[G>T]CGCTCAGCCTGTCTACCTGCAGCACACTCGATATGGACCAGTTCATGCGCAAGAGGATCG-3'
Protein context (NP_003229.1, residues 8-28): AFLILHLVTV[Ala18Ser]LSLSTCSTLD

ClinVar aggregate classification (germline): Uncertain significance (1 of 4 stars; one submission).

Conditions:
Loeys-Dietz syndrome 4 (LDS4). Also called: TGFB2-Related Loeys-Dietz Syndrome; ANEURYSM, AORTIC AND CEREBRAL, WITH ARTERIAL TORTUOSITY AND SKELETAL MANIFESTATIONS. Identifiers: MedGen C3553762, MONDO:0013897, OMIM 614816.

gnomAD v4.1: 2 of 1,613,946 alleles (0.00012%); highest among the groups gnomAD compares: Non-Finnish European, 0.00017%; no homozygotes.

Submission:

Labcorp Genetics (formerly Invitae), Labcorp
Classification: Uncertain significance for Loeys-Dietz syndrome 4. Last evaluated: 2022-07-05. Review status: criteria provided, single submitter. Criteria: Invitae Variant Classification Sherloc (09022015). Collection method: clinical testing. Allele origin: germline.
Comment: This sequence change replaces alanine, which is neutral and non-polar, with serine, which is neutral and polar, at codon 18 of the TGFB2 protein (p.Ala18Ser). In summary, the available evidence is currently insufficient to determine the role of this variant in disease. Therefore, it has been classified as a Variant of Uncertain Significance. Advanced modeling of protein sequence and biophysical properties (such as structural, functional, and spatial information, amino acid conservation, physicochemical variation, residue mobility, and thermodynamic stability) performed at Invitae indicates that this missense variant is not expected to disrupt TGFB2 protein function. ClinVar contains an entry for this variant (Variation ID: 1415531). This variant has not been reported in the literature in individuals affected with TGFB2-related conditions. This variant is not present in population databases (gnomAD no frequency).